The following is an entry in ClinVar:

ClinVar aggregate classification (germline): Uncertain significance (1 of 4 stars; one submission).

Conditions:
Inborn genetic diseases. Identifiers: MedGen C0950123, MeSH D030342.

Submission:

Ambry Genetics
Classification: Uncertain significance for Inborn genetic diseases. Last evaluated: 2026-07-07. Review status: criteria provided, single submitter. Criteria: Ambry Variant Classification Scheme 2023. Collection method: clinical testing. Allele origin: germline.
Comment: The p.Q114H variant (also known as c.342G>T), located in coding exon 3 of the CACNA1S gene, results from a G to T substitution at nucleotide position 342. The glutamine at codon 114 is replaced by histidine, an amino acid with highly similar properties. This amino acid position is conserved. In addition, the in silico prediction for this alteration is inconclusive. Based on the available evidence, the clinical significance of this variant remains unclear.

NM_000069.3(CACNA1S):c.342G>T (p.Gln114His)

Gene: CACNA1S (calcium voltage-gated channel subunit alpha1 S; minus strand). Cytogenetic location: 1q32.1.
Variant type: single nucleotide variant.
Coding change: c.342G>T on transcript NM_000069.3 (MANE Select); coding-DNA position 342, G replaced by T.
Protein change: p.Gln114His; replaces glutamine 114 with histidine.
Molecular consequence: missense variant.
Genome position (GRCh38, 1-based): chr1:201,093,938, C>A on the plus strand (G>T on the coding strand, the complement: CACNA1S is on the minus strand). VCF-style: chr1-201093938-C-A. GRCh37 (hg19) VCF-style: chr1-201063066-C-A.
Other names: short protein forms Q114H.
Identifiers: ClinVar variation 5033628 (VCV005033628.1).